The following is an entry in ClinVar:

ClinVar aggregate classification (germline): Benign (1 of 4 stars; one submission).

Allele frequency attached by ClinVar (database versions not stated): gnomAD exomes 0.33937; ExAC 0.35337; ESP Exome Variant Server 0.37806; gnomAD 0.37808; TOPMed 0.38134; 1000 Genomes Project 30x 0.40287; 1000 Genomes Project 0.40615.
gnomAD v4.1: 551,689 of 1,607,370 alleles (34%); highest among the groups gnomAD compares: African/African-American, 49%; 96,311 homozygotes.

Submission:

Unidad de Genómica Garrahan, Hospital de Pediatría Garrahan
Classification: Benign. Last evaluated: 2024-01-24. Review status: criteria provided, single submitter. Criteria: ACMG Guidelines, 2015. Collection method: clinical testing. Allele origin: germline. Affected: no. Observed: 58 variant alleles.
Comment: This variant is classified as Benign based on local population frequency. This variant was detected in 66% of patients studied by a panel of primary immunodeficiencies. Number of patients: 58. Only high quality variants are reported.

NM_002198.3(IRF1):c.854-33C>T

Gene: IRF1 (interferon regulatory factor 1; minus strand). Cytogenetic location: 5q31.1.
Variant type: single nucleotide variant.
Coding change: c.854-33C>T on transcript NM_002198.3 (MANE Select); 33 bases into the intron before coding-DNA position 854, C replaced by T.
Molecular consequence: intron variant.
Genome position (GRCh38, 1-based): chr5:132,484,108, G>A on the plus strand (C>T on the coding strand, the complement: IRF1 is on the minus strand). VCF-style: chr5-132484108-G-A. GRCh37 (hg19) VCF-style: chr5-131819800-G-A.
Other names: c.731-33C>T (NM_001354924.1); c.668-33C>T (NM_001354925.1).
Identifiers: ClinVar variation 2688379 (VCV002688379.2), dbSNP rs2070730, ClinGen allele CA3404432.